The following is an entry in ClinVar:

ClinVar aggregate classification (germline): Uncertain significance (1 of 4 stars; one submission).

Submission:

Labcorp Genetics (formerly Invitae), Labcorp
Classification: Uncertain significance. Last evaluated: 2025-11-23. Review status: criteria provided, single submitter. Criteria: Invitae Variant Classification Sherloc (09022015). Collection method: clinical testing. Allele origin: germline.
Comment: This variant, c.875_877del, results in the deletion of 1 amino acid(s) of the HEPACAM protein (p.Glu292del), but otherwise preserves the integrity of the reading frame. This variant is not present in population databases (gnomAD no frequency). This variant has not been reported in the literature in individuals affected with HEPACAM-related conditions. Experimental studies and prediction algorithms are not available or were not evaluated, and the functional significance of this variant is currently unknown. Algorithms developed to predict the effect of sequence changes on RNA splicing suggest that this variant may disrupt the consensus splice site. In summary, the available evidence is currently insufficient to determine the role of this variant in disease. Therefore, it has been classified as a Variant of Uncertain Significance.

NM_152722.5(HEPACAM):c.875_877del (p.Glu292del)

Gene: HEPACAM (hepatic and glial cell adhesion molecule; minus strand). Cytogenetic location: 11q24.2.
Variant type: Deletion.
Coding change: c.875_877del on transcript NM_152722.5 (MANE Select); coding-DNA positions 875 to 877, 3 bases deleted (AAG; older notation c.875_877delAAG).
Protein change: p.Glu292del; deletes glutamic acid 292.
Molecular consequence: inframe deletion.
Genome position (GRCh38, 1-based): chr11:124,922,745-124,922,747, CTT deleted on the plus strand (AAG on the coding strand, the reverse complement: HEPACAM is on the minus strand); deleting any 3 consecutive bases within chr11:124,922,745-124,922,749 gives the same sequence; the c. name uses the placement nearest the transcript's 3' end. VCF-style (leftmost placement, unchanged base first): chr11-124922744-CCTT-C. GRCh37 (hg19) VCF-style: chr11-124792640-CCTT-C.
Other names: c.875_877del, p.Glu292del (NM_001411043.1); c.873_875delAGA, p.Glu292del (NM_001441320.1); short protein forms E292del.
Identifiers: ClinVar variation 4731035 (VCV004731035.1).